The following is an entry in ClinVar:

ClinVar aggregate classification (germline): Uncertain significance (1 of 4 stars; one submission).

Submission:

GeneDx
Classification: Uncertain significance. Last evaluated: 2025-02-18. Review status: criteria provided, single submitter. Criteria: GeneDx Variant Classification Process June 2021. Collection method: clinical testing. Allele origin: germline. Affected: yes.
Comment: Not observed at significant frequency in large population cohorts (gnomAD); In silico analysis supports that this missense variant has a deleterious effect on protein structure/function; Has not been previously published as pathogenic or benign to our knowledge

NM_001394998.1(TANC2):c.4730A>T (p.His1577Leu)

Gene: TANC2 (tetratricopeptide repeat, ankyrin repeat and coiled-coil containing 2; plus strand). Cytogenetic location: 17q23.3.
Variant type: single nucleotide variant.
Coding change: c.4730A>T on transcript NM_001394998.1 (MANE Select); coding-DNA position 4730, A replaced by T.
Protein change: p.His1577Leu; replaces histidine 1577 with leucine.
Molecular consequence: missense variant.
Genome position (GRCh38, 1-based): chr17:63,420,460, A>T. VCF-style: chr17-63420460-A-T. GRCh37 (hg19) VCF-style: chr17-61497821-A-T.
Other names: c.4508A>T, p.His1503Leu (NM_001411076.1); c.4478A>T, p.His1493Leu (NM_025185.4); short protein forms H1493L, H1503L, H1577L.
Identifiers: ClinVar variation 4075575 (VCV004075575.1).